The following is an entry in ClinVar:

NM_001510.4(GRID2):c.243A>G (p.Glu81=)

Gene: GRID2 (glutamate ionotropic receptor delta type subunit 2; plus strand). Cytogenetic location: 4q22.1.
Variant type: single nucleotide variant.
Coding change: c.243A>G on transcript NM_001510.4 (MANE Select); coding-DNA position 243, A replaced by G.
Protein change: p.Glu81=; no amino-acid change (glutamic acid 81 retained).
Molecular consequence: synonymous variant.
Genome position (GRCh38, 1-based): chr4:92,590,285, A>G. VCF-style: chr4-92590285-A-G. GRCh37 (hg19) VCF-style: chr4-93511436-A-G.
Other names: c.243A>G, p.Glu81= (NM_001286838.1, NM_001440459.1).
Identifiers: ClinVar variation 4776102 (VCV004776102.1).

ClinVar aggregate classification (germline): Uncertain significance (1 of 4 stars; one submission).

gnomAD v4.1: 3 of 1,608,278 alleles (0.00019%); highest among the groups gnomAD compares: Admixed American, 0.0051%; no homozygotes.

Submission:

Labcorp Genetics (formerly Invitae), Labcorp
Classification: Uncertain significance. Last evaluated: 2025-04-30. Review status: criteria provided, single submitter. Criteria: Invitae Variant Classification Sherloc (09022015). Collection method: clinical testing. Allele origin: germline.
Comment: This sequence change affects codon 81 of the GRID2 mRNA. It is a 'silent' change, meaning that it does not change the encoded amino acid sequence of the GRID2 protein. It affects a nucleotide within the consensus splice site. This variant is present in population databases (no rsID available, gnomAD 0.006%). This variant has not been reported in the literature in individuals affected with GRID2-related conditions. Algorithms developed to predict the effect of sequence changes on RNA splicing suggest that this variant is not likely to affect RNA splicing. In summary, the available evidence is currently insufficient to determine the role of this variant in disease. Therefore, it has been classified as a Variant of Uncertain Significance.